The following is an entry in ClinVar:

ClinVar aggregate classification (germline): Uncertain significance. Review status: criteria provided, multiple submitters, no conflicts (2 of 4 stars). 3 submissions from 3 submitters: Uncertain significance (2). 1 of the submissions does not count toward it. Last evaluated 2022-07-19.

Conditions:
Dyskeratosis congenita. Identifiers: Orphanet 1775, MedGen C0265965, MONDO:0015780.
Pulmonary fibrosis and/or bone marrow failure, Telomere-related, 3. Also called: PULMONARY FIBROSIS AND/OR BONE MARROW FAILURE SYNDROME, TELOMERE-RELATED, 3. Identifiers: Orphanet 2032, MedGen C4225346, MONDO:0014613, OMIM 616373.
Dyskeratosis congenita, autosomal recessive 5 (DKCB5). Identifiers: MedGen C3554656, MONDO:0014076, OMIM 615190.

Allele frequency attached by ClinVar (database versions not stated): gnomAD 0.00001 and 0.00002; gnomAD exomes 0.00001; TOPMed 0.00001; ExAC 0.00003; ESP Exome Variant Server 0.00008.
gnomAD v4.1: 2 of 1,572,342 alleles (0.00013%); highest among the groups gnomAD compares: African/African-American, 0.0027%; no homozygotes.

Submissions (3):

Labcorp Genetics (formerly Invitae), Labcorp
Classification: Uncertain significance for Dyskeratosis congenita, autosomal recessive 5; Pulmonary fibrosis and/or bone marrow failure, Telomere-related, 3. Last evaluated: 2022-07-19. Review status: criteria provided, single submitter. Criteria: Invitae Variant Classification Sherloc (09022015). Collection method: clinical testing. Allele origin: germline.
Comment: This sequence change replaces glutamine, which is neutral and polar, with glutamic acid, which is acidic and polar, at codon 493 of the RTEL1 protein (p.Gln493Glu). The frequency data for this variant in the population databases is considered unreliable, as metrics indicate poor data quality at this position in the gnomAD database. This variant has not been reported in the literature in individuals affected with RTEL1-related conditions. Algorithms developed to predict the effect of missense changes on protein structure and function are either unavailable or do not agree on the potential impact of this missense change (SIFT: "Tolerated"; PolyPhen-2: "Possibly Damaging"; Align-GVGD: "Class C0"). In summary, the available evidence is currently insufficient to determine the role of this variant in disease. Therefore, it has been classified as a Variant of Uncertain Significance.

Breakthrough Genomics
Classification: Uncertain significance. Review status: criteria provided, single submitter. Criteria: ACMG Guidelines, 2015. Collection method: not provided. Allele origin: germline. Inheritance: Autosomal dominant inheritance. Affected: yes.

Natera, Inc.
Classification: Uncertain significance for Dyskeratosis congenita. Last evaluated: 2021-06-14. Review status: no assertion criteria provided. Collection method: clinical testing. Allele origin: germline. Not counted in ClinVar's aggregate classification.

NM_001283009.2(RTEL1):c.1477C>G (p.Gln493Glu)

Genes: RTEL1 (regulator of telomere elongation helicase 1; plus strand), RTEL1-TNFRSF6B (RTEL1-TNFRSF6B readthrough (NMD candidate); plus strand). Cytogenetic location: 20q13.33.
Variant type: single nucleotide variant.
Coding change: c.1477C>G on transcript NM_001283009.2 (MANE Select); coding-DNA position 1477, C replaced by G.
Protein change: p.Gln493Glu; replaces glutamine 493 with glutamic acid.
Molecular consequence: missense variant. On other transcripts: non-coding transcript variant (1).
Genome position (GRCh38, 1-based): chr20:63,687,766, C>G. VCF-style: chr20-63687766-C-G. GRCh37 (hg19) VCF-style: chr20-62319119-C-G.
Other names: c.808C>G, p.Gln270Glu (NM_001283010.1); c.1477C>G, p.Gln493Glu (NM_016434.4); c.1549C>G, p.Gln517Glu (NM_032957.5); short protein forms Q493E, Q517E, Q270E.
Identifiers: ClinVar variation 540940 (VCV000540940.11), dbSNP rs372871657, ClinGen allele CA9964800.